The following is an entry in ClinVar:

NM_002519.3(NPAT):c.2432A>T (p.Glu811Val)

Gene: NPAT (nuclear protein, coactivator of histone transcription; minus strand). Cytogenetic location: 11q22.3.
Variant type: single nucleotide variant.
Coding change: c.2432A>T on transcript NM_002519.3 (MANE Select); coding-DNA position 2432, A replaced by T.
Protein change: p.Glu811Val; replaces glutamic acid 811 with valine.
Molecular consequence: missense variant.
Genome position (GRCh38, 1-based): chr11:108,172,552, T>A on the plus strand (A>T on the coding strand, the complement: NPAT is on the minus strand). VCF-style: chr11-108172552-T-A. GRCh37 (hg19) VCF-style: chr11-108043279-T-A.
Other names: c.2432A>T, p.Glu811Val (NM_001321307.1); short protein forms E811V.
Identifiers: ClinVar variation 2453752 (VCV002453752.2), dbSNP rs2496717259, ClinGen allele CA382512996.

ClinVar aggregate classification (germline): Uncertain significance (1 of 4 stars; one submission).

Submission:

Ambry Genetics
Classification: Uncertain significance. Last evaluated: 2022-12-12. Review status: criteria provided, single submitter. Criteria: Ambry Variant Classification Scheme 2023. Collection method: clinical testing. Allele origin: germline.
Comment: The p.E811V variant (also known as c.2432A>T), located in coding exon 13 of the NPAT gene, results from an A to T substitution at nucleotide position 2432. The glutamic acid at codon 811 is replaced by valine, an amino acid with dissimilar properties. This amino acid position is conserved. In addition, this alteration is predicted to be tolerated by in silico analysis. Since supporting evidence is limited at this time, the clinical significance of this alteration remains unclear.